The following is an entry in ClinVar:

ClinVar aggregate classification (germline): Uncertain significance (1 of 4 stars; one submission).

Conditions:
Severe combined immunodeficiency, autosomal recessive, T cell-negative, B cell-negative, NK cell-negative, due to adenosine deaminase deficiency. Also called: SCID DUE TO ADA DEFICIENCY; SCID DUE TO ADA DEFICIENCY, EARLY-ONSET; ADA-SCID; ADA deficiency; Adenosine deaminase deficient severe combined immunodeficiency; Severe combined immunodeficiency due to ADA deficiency. Identifiers: Orphanet 277, MedGen C0392607, MONDO:0007064, OMIM 102700.

Submission:

Myriad Genetics, Inc.
Classification: Uncertain significance for Severe combined immunodeficiency, autosomal recessive, T cell-negative, B cell-negative, NK cell-negative, due to adenosine deaminase deficiency. Last evaluated: 2025-09-18. Review status: criteria provided, single submitter. Criteria: Myriad Autosomal Dominant, Autosomal Recessive and X-Linked Classification Criteria (2023). Collection method: clinical testing. Allele origin: unknown.
Comment: NM_000022.2(ADA):c.487_489delCCC(P163del) is an in-frame deletion classified as a variant of uncertain significance in the context of adenosine deaminase deficiency. P163del has not been observed in cases with relevant disease. Relevant functional assessments of this variant are not available in the literature. P163del has not been observed in referenced population frequency databases. In summary, there is insufficient evidence to classify NM_000022.2(ADA):c.487_489delCCC(P163del) as pathogenic or benign. Please note: this variant was assessed in the context of healthy population screening.

NM_000022.4(ADA):c.487_489del (p.Pro163del)

Gene: ADA (adenosine deaminase; minus strand). Cytogenetic location: 20q13.12.
Variant type: Deletion.
Coding change: c.487_489del on transcript NM_000022.4 (MANE Select); coding-DNA positions 487 to 489, 3 bases deleted (CCC; older notation c.487_489delCCC).
Protein change: p.Pro163del; deletes proline 163.
Molecular consequence: inframe deletion. On other transcripts: non-coding transcript variant (1).
Genome position (GRCh38, 1-based): chr20:44,624,319-44,624,321, GGG deleted on the plus strand (CCC on the coding strand, the reverse complement: ADA is on the minus strand); deleting any 3 consecutive bases within chr20:44,624,319-44,624,323 gives the same sequence; the c. name uses the placement nearest the transcript's 3' end. VCF-style (leftmost placement, unchanged base first): chr20-44624318-TGGG-T. GRCh37 (hg19) VCF-style: chr20-43252959-TGGG-T.
Other names: c.82_84del, p.Pro28del (NM_001322050.2); c.487_489del, p.Pro163del (NM_001322051.2); short protein forms P163del, P28del.
Identifiers: ClinVar variation 5004176 (VCV005004176.1).